The following is an entry in ClinVar:

ClinVar aggregate classification (germline): Uncertain significance (1 of 4 stars; one submission).

gnomAD v4.1: 3 of 1,614,032 alleles (0.00019%); highest among the groups gnomAD compares: Non-Finnish European, 0.00025%; no homozygotes.

Submission:

GeneDx
Classification: Uncertain significance. Last evaluated: 2024-06-11. Review status: criteria provided, single submitter. Criteria: GeneDx Variant Classification Process June 2021. Collection method: clinical testing. Allele origin: germline. Affected: yes.
Comment: Not observed at significant frequency in large population cohorts (gnomAD); In silico analysis supports that this missense variant does not alter protein structure/function; Has not been previously published as pathogenic or benign to our knowledge

NM_001020658.2(PUM1):c.1948T>G (p.Ser650Ala)

Gene: PUM1 (pumilio RNA binding family member 1; minus strand). Cytogenetic location: 1p35.2.
Variant type: single nucleotide variant.
Coding change: c.1948T>G on transcript NM_001020658.2 (MANE Select); coding-DNA position 1948, T replaced by G.
Protein change: p.Ser650Ala; replaces serine 650 with alanine.
Molecular consequence: missense variant.
Genome position (GRCh38, 1-based): chr1:30,966,120, A>C on the plus strand (T>G on the coding strand, the complement: PUM1 is on the minus strand). VCF-style: chr1-30966120-A-C. GRCh37 (hg19) VCF-style: chr1-31438967-A-C.
Other names: c.1948T>G, p.Ser650Ala (NM_014676.3); short protein forms S650A.
Identifiers: ClinVar variation 3390592 (VCV003390592.1).